The following is an entry in ClinVar:

ClinVar aggregate classification (germline): Uncertain significance (1 of 4 stars; one submission).

Conditions:
Intellectual developmental disorder, X-linked, syndromic, Raymond type. Also called: Syndromic X-linked intellectual disability Raymond type. Identifiers: MedGen C3275406, MONDO:0010427, OMIM 300799.

Allele frequency attached by ClinVar (database versions not stated): gnomAD exomes below 0.00001; TOPMed 0.00001.
gnomAD v4.1: 1 of 1,210,547 alleles (0.000083%); highest among the groups gnomAD compares: African/African-American, 0.0017%; no homozygotes.

Submission:

Labcorp Genetics (formerly Invitae), Labcorp
Classification: Uncertain significance for Intellectual developmental disorder, X-linked, syndromic, Raymond type. Last evaluated: 2023-08-29. Review status: criteria provided, single submitter. Criteria: Invitae Variant Classification Sherloc (09022015). Collection method: clinical testing. Allele origin: germline.
Comment: In summary, the available evidence is currently insufficient to determine the role of this variant in disease. Therefore, it has been classified as a Variant of Uncertain Significance. Algorithms developed to predict the effect of sequence changes on RNA splicing suggest that this variant may create or strengthen a splice site. Advanced modeling of protein sequence and biophysical properties (such as structural, functional, and spatial information, amino acid conservation, physicochemical variation, residue mobility, and thermodynamic stability) performed at Invitae indicates that this missense variant is not expected to disrupt ZDHHC9 protein function. This variant has not been reported in the literature in individuals affected with ZDHHC9-related conditions. This variant is not present in population databases (gnomAD no frequency). This sequence change replaces isoleucine, which is neutral and non-polar, with valine, which is neutral and non-polar, at codon 196 of the ZDHHC9 protein (p.Ile196Val).

NM_016032.4(ZDHHC9):c.586A>G (p.Ile196Val)

Gene: ZDHHC9 (zDHHC palmitoyltransferase 9; minus strand). Cytogenetic location: Xq26.1.
Variant type: single nucleotide variant.
Coding change: c.586A>G on transcript NM_016032.4 (MANE Select); coding-DNA position 586, A replaced by G.
Protein change: p.Ile196Val; replaces isoleucine 196 with valine.
Molecular consequence: missense variant.
Genome position (GRCh38, 1-based): chrX:129,814,697, T>C on the plus strand (A>G on the coding strand, the complement: ZDHHC9 is on the minus strand). VCF-style: chrX-129814697-T-C. GRCh37 (hg19) VCF-style: chrX-128948673-T-C.
Other names: c.586A>G, p.Ile196Val (NM_001008222.3); short protein forms I196V.
Identifiers: ClinVar variation 2756312 (VCV002756312.3), dbSNP rs1927719447, ClinGen allele CA414586304.